The following is an entry in ClinVar:

NM_000412.5(HRG):c.598G>T (p.Val200Leu)

Gene: HRG (histidine rich glycoprotein; plus strand). Cytogenetic location: 3q27.3.
Variant type: single nucleotide variant.
Coding change: c.598G>T on transcript NM_000412.5 (MANE Select); coding-DNA position 598, G replaced by T.
Protein change: p.Val200Leu; replaces valine 200 with leucine.
Molecular consequence: missense variant.
Genome position (GRCh38, 1-based): chr3:186,672,826, G>T. VCF-style: chr3-186672826-G-T. GRCh37 (hg19) VCF-style: chr3-186390615-G-T.
Other names: short protein forms V200L.
Identifiers: ClinVar variation 712515 (VCV000712515.36), dbSNP rs116004251, ClinGen allele CA2745715.
Genomic context (GRCh38, chr3:186,672,826, plus strand): 5'-TTTTGATCCCATCTGTTCTAGAGAGGAGGGGAAGGAACTGGTTACTTCGTGGACTTCTCT[G>T]TGCGGAACTGCCCCAGACACCATTTCCCCAGACACCCCAATGTGAGTATAAGAAATGTCT-3'
Protein context (NP_000403.1, residues 190-210): EGTGYFVDFS[Val200Leu]RNCPRHHFPR

ClinVar aggregate classification (germline): Benign. Review status: criteria provided, multiple submitters, no conflicts (2 of 4 stars). 4 submissions from 4 submitters: Benign (3). 1 of the submissions does not count toward it. Last evaluated 2022-07-01.

Conditions:
HRG-related disorder. Also called: HRG-related condition.

Allele frequency attached by ClinVar (database versions not stated): gnomAD exomes 0.00107; ExAC 0.00306; gnomAD 0.00928 and 0.00992; ESP Exome Variant Server 0.00961; TOPMed 0.01013; 1000 Genomes Project 0.01078; 1000 Genomes Project 30x 0.01202.
gnomAD v4.1: 3,052 of 1,612,752 alleles (0.19%); highest among the groups gnomAD compares: African/African-American, 3.2%; 49 homozygotes.

Submissions (4):

CeGaT Center for Human Genetics Tuebingen
Classification: Benign. Last evaluated: 2022-07-01. Review status: criteria provided, single submitter. Criteria: CeGaT Center For Human Genetics Tuebingen Variant Classification Criteria Version 2. Collection method: clinical testing. Allele origin: germline. Affected: yes. Observed: 2 variant alleles.
Comment: HRG: BP4, BS1, BS2

Labcorp Genetics (formerly Invitae), Labcorp
Classification: Benign. Last evaluated: 2019-12-31. Review status: criteria provided, single submitter. Criteria: Invitae Variant Classification Sherloc (09022015). Collection method: clinical testing. Allele origin: germline.

Breakthrough Genomics
Classification: Benign. Review status: criteria provided, single submitter. Criteria: ACMG Guidelines, 2015. Collection method: not provided. Allele origin: germline. Inheritance: Autosomal dominant inheritance. Affected: yes.

PreventionGenetics, part of Exact Sciences
Classification: Benign for HRG-related condition. Last evaluated: 2019-07-01. Review status: no assertion criteria provided. Collection method: clinical testing. Allele origin: germline. Not counted in ClinVar's aggregate classification.
Comment: This variant is classified as benign based on ACMG/AMP sequence variant interpretation guidelines (Richards et al. 2015 PMID: 25741868, with internal and published modifications).